The following is an entry in ClinVar:

ClinVar aggregate classification (germline): Benign/Likely benign. Review status: criteria provided, multiple submitters, no conflicts (2 of 4 stars). 4 submissions from 4 submitters: Benign (3); Likely benign (1). Last evaluated 2026-01-18.

Conditions:
Moyamoya disease 2 (MYMY2). Also called: MOYAMOYA DISEASE 2, SUSCEPTIBILITY TO. Identifiers: Orphanet 2573, MedGen C1846689, MONDO:0011784, OMIM 607151.

Allele frequency attached by ClinVar (database versions not stated): gnomAD exomes 0.00163 and 0.00389; ExAC 0.00458; ESP Exome Variant Server 0.01369; gnomAD 0.01462 and 0.01549; TOPMed 0.01662; 1000 Genomes Project 0.01777; 1000 Genomes Project 30x 0.01811.
gnomAD v4.1: 4,757 of 1,614,200 alleles (0.29%); highest among the groups gnomAD compares: African/African-American, 5%; 125 homozygotes.

Submissions (4):

Labcorp Genetics (formerly Invitae), Labcorp
Classification: Benign. Last evaluated: 2026-01-18. Review status: criteria provided, single submitter. Criteria: Invitae Variant Classification Sherloc (09022015). Collection method: clinical testing. Allele origin: germline.

Mayo Clinic Laboratories, Mayo Clinic
Classification: Benign. Last evaluated: 2024-01-12. Review status: criteria provided, single submitter. Criteria: ACMG Guidelines, 2015. Collection method: clinical testing. Allele origin: germline. Observed: 5 variant alleles.
Comment: BA1

Fulgent Genetics
Classification: Likely benign for Moyamoya disease 2. Last evaluated: 2021-11-08. Review status: criteria provided, single submitter. Criteria: ACMG Guidelines, 2015. Collection method: clinical testing. Allele origin: unknown.

Breakthrough Genomics
Classification: Benign. Review status: criteria provided, single submitter. Criteria: ACMG Guidelines, 2015. Collection method: not provided. Allele origin: germline. Inheritance: Autosomal dominant inheritance. Affected: yes.

NM_001256071.3(RNF213):c.10727-4A>G

Genes: RNF213 (ring finger protein 213; plus strand), RNF213-AS1 (RNF213 antisense RNA 1; minus strand). Cytogenetic location: 17q25.3.
Variant type: single nucleotide variant.
Coding change: c.10727-4A>G on transcript NM_001256071.3 (MANE Select); 4 bases into the intron before coding-DNA position 10727, A replaced by G.
Molecular consequence: intron variant. On other transcripts: non-coding transcript variant (1).
Genome position (GRCh38, 1-based): chr17:80,354,437, A>G. VCF-style: chr17-80354437-A-G. GRCh37 (hg19) VCF-style: chr17-78328237-A-G.
Other names: p.?.
Identifiers: ClinVar variation 775391 (VCV000775391.13), dbSNP rs116007874, ClinGen allele CA8821554.